The following is an entry in ClinVar:

NM_016239.4(MYO15A):c.5769del (p.Ser1924fs)

Gene: MYO15A (myosin XVA; plus strand). Cytogenetic location: 17p11.2.
Variant type: Deletion.
Coding change: c.5769del on transcript NM_016239.4 (MANE Select); coding-DNA position 5769, one base deleted (C; older notation c.5769delC).
Protein change: p.Ser1924fs; shifts the reading frame from serine 1924.
Molecular consequence: frameshift variant.
Genome position (GRCh38, 1-based): chr17:18,142,198, C deleted. VCF-style (leftmost placement, unchanged base first): chr17-18142197-GC-G. GRCh37 (hg19) VCF-style: chr17-18045511-GC-G.
Other names: short protein forms S1924fs.
Identifiers: ClinVar variation 3601363 (VCV003601363.1).

ClinVar aggregate classification (germline): Likely pathogenic (1 of 4 stars; one submission).

Conditions:
Autosomal recessive nonsyndromic hearing loss 3. Also called: NEUROSENSORY NONSYNDROMIC RECESSIVE DEAFNESS 3. Identifiers: Orphanet 90636, MedGen C1838263, MONDO:0010860, OMIM 600316.

Submission:

Institute of Rare Diseases, West China Hospital, Sichuan University
Classification: Likely pathogenic for Autosomal recessive nonsyndromic hearing loss 3. Last evaluated: 2025-01-09. Review status: criteria provided, single submitter. Criteria: ClinGen HL ACMG Specifications v1. Collection method: research. Allele origin: germline. Affected: yes.
Comment: PVS1;PM2_Supporting